The following is an entry in ClinVar:

NM_005148.4(UNC119):c.385G>A (p.Val129Ile)

Gene: UNC119 (unc-119 lipid binding chaperone; minus strand). Cytogenetic location: 17q11.2.
Variant type: single nucleotide variant.
Coding change: c.385G>A on transcript NM_005148.4 (MANE Select); coding-DNA position 385, G replaced by A.
Protein change: p.Val129Ile; replaces valine 129 with isoleucine.
Molecular consequence: missense variant.
Genome position (GRCh38, 1-based): chr17:28,548,051, C>T on the plus strand (G>A on the coding strand, the complement: UNC119 is on the minus strand). VCF-style: chr17-28548051-C-T. GRCh37 (hg19) VCF-style: chr17-26875069-C-T.
Other names: c.100G>A, p.Val34Ile (NM_001330166.2); c.385G>A, p.Val129Ile (NM_054035.2); short protein forms V129I, V34I.
Identifiers: ClinVar variation 4779345 (VCV004779345.1).
Genomic context (GRCh38, chr17:28,548,051, plus strand): 5'-CGACTCACGTGGCTCCCACCTGCCTCAGGCGGAGGAAGGCAGGCGTGAACTGGTAGCGGA[C>T]AAAGCGCCCAGCATTGGGGTCCAGGTCCCGCCGGTTGATGGGCAACCGTTCTGCAATGTA-3'
Protein context (NP_005139.1, residues 119-139): RDLDPNAGRF[Val129Ile]RYQFTPAFLR

ClinVar aggregate classification (germline): Uncertain significance (1 of 4 stars; one submission).

Submission:

Labcorp Genetics (formerly Invitae), Labcorp
Classification: Uncertain significance. Last evaluated: 2025-04-22. Review status: criteria provided, single submitter. Criteria: Invitae Variant Classification Sherloc (09022015). Collection method: clinical testing. Allele origin: germline.
Comment: This sequence change replaces valine, which is neutral and non-polar, with isoleucine, which is neutral and non-polar, at codon 129 of the UNC119 protein (p.Val129Ile). This variant is not present in population databases (gnomAD no frequency). This variant has not been reported in the literature in individuals affected with UNC119-related conditions. An algorithm developed to predict the effect of missense changes on protein structure and function (PolyPhen-2) suggests that this variant is likely to be disruptive. In summary, the available evidence is currently insufficient to determine the role of this variant in disease. Therefore, it has been classified as a Variant of Uncertain Significance.